The following is an entry in ClinVar:

NC_000011.9:g.(?_763324)_(764453_?)del

Gene: TALDO1 (transaldolase 1; plus strand). Cytogenetic location: 11p15.5.
Variant type: Deletion.
Identifiers: ClinVar variation 3244768 (VCV003244768.1).

ClinVar aggregate classification (germline): Pathogenic (1 of 4 stars; one submission).

Submission:

Labcorp Genetics (formerly Invitae), Labcorp
Classification: Pathogenic. Last evaluated: 2023-04-13. Review status: criteria provided, single submitter. Criteria: Invitae Variant Classification Sherloc (09022015). Collection method: clinical testing. Allele origin: unknown.
Comment: For these reasons, this variant has been classified as Pathogenic. A similar copy number variant has been observed in individual(s) with TALDO deficiency (PMID: 24497183). This variant is a gross deletion of the genomic region encompassing exon(s) 5-7 of the TALDO1 gene. This deletion is out-of-frame, and is expected to create a premature termination codon and result in an absent or disrupted protein product. Loss-of-function variants in TALDO1 are known to be pathogenic (PMID: 23315216, 26238251).

Literature cited by the submitters: PubMed 24497183; PubMed 23315216; PubMed 26238251.